The following is an entry in ClinVar:

NM_005921.2(MAP3K1):c.1903T>C (p.Cys635Arg)

Gene: MAP3K1 (mitogen-activated protein kinase kinase kinase 1; plus strand). Cytogenetic location: 5q11.2.
Variant type: single nucleotide variant.
Coding change: c.1903T>C on transcript NM_005921.2 (MANE Select); coding-DNA position 1903, T replaced by C.
Protein change: p.Cys635Arg; replaces cysteine 635 with arginine.
Molecular consequence: missense variant.
Genome position (GRCh38, 1-based): chr5:56,875,248, T>C. VCF-style: chr5-56875248-T-C. GRCh37 (hg19) VCF-style: chr5-56171075-T-C.
Other names: short protein forms C635R.
Identifiers: ClinVar variation 3234103 (VCV003234103.1), dbSNP rs2111921590, ClinGen allele CA359781251.
Genomic context (GRCh38, chr5:56,875,248, plus strand): 5'-AGTGGGGGAGCCACCAGTGGGTCTTCCCAGACCAGTATCTCAGGAGATGTGGTGGAGGCA[T>C]GCTGCAGCGTTCTGTCAATGGTCTGTGCTGACCCTGTCTACAAAGTGTACGTTGCTGCTT-3'
Protein context (NP_005912.1, residues 625-645): TSISGDVVEA[Cys635Arg]CSVLSMVCAD

ClinVar aggregate classification (germline): Uncertain significance (1 of 4 stars; one submission).

Conditions:
46,XY sex reversal 6. Also called: 46,XY GONADAL DYSGENESIS, PARTIAL OR COMPLETE, MAP3K1-RELATED; 46,XY SEX REVERSAL, PARTIAL OR COMPLETE, MAP3K1-RELATED. Identifiers: MedGen C3151064, MONDO:0013410, OMIM 613762.

Submission:

MVZ Medizinische Genetik Mainz
Classification: Uncertain significance for 46,XY sex reversal 6. Last evaluated: 2022-05-18. Review status: criteria provided, single submitter. Criteria: UK Practice Guidelines For Variant Classification V4 01 2020. Collection method: clinical testing. Allele origin: germline. Inheritance: Autosomal dominant inheritance. Affected: yes. Observed: 1 variant allele.
Comment: ACMG Criteria: PM2_SUP,PP3